The following continues an entry in ClinVar:

NM_000083.3(CLCN1):c.689G>A (p.Gly230Glu)

Gene: CLCN1. ClinVar aggregate classification (germline): Pathogenic. Pathogenic (13).

Submissions 10 to 15 of 15:

Women's Health and Genetics/Laboratory Corporation of America, LabCorp
Classification: Pathogenic for Congenital myotonia, autosomal recessive form. Last evaluated: 2023-06-27. Review status: criteria provided, single submitter. Criteria: LabCorp Variant Classification Summary - May 2015. Collection method: clinical testing. Allele origin: germline.
Comment: Variant summary: CLCN1 c.689G>A (p.Gly230Glu) results in a non-conservative amino acid change located in the TM1 domain (Sutterlin_2022) of the encoded protein sequence. Five of five in-silico tools predict a damaging effect of the variant on protein function. The variant allele was found at a frequency of 1.2e-05 in 251000 control chromosomes. c.689G>A has been reported in the literature as a heterozygous genotype or as a compound heterozygous genotype in multiple individuals affected with Congenital Myotonia (example, Sutterlin_2022; Horga_2013). These data indicate that the variant is very likely to be associated with disease. At least two publications report experimental evidence evaluating an impact on protein function (example, Fahlke_1997, Steinmeyer_1994). The most pronounced variant effect results in altered pore properties of the muscle chloride channel (Fahle_1997) and destroy normal channel activity while exerting a dominant negative effect of wild-type channels (Steinmeyer_1994). The following publications have been ascertained in the context of this evaluation (PMID: 9122265, 23516313, 8112288, 34529042). Seven submitters have cited clinical-significance assessments for this variant to ClinVar after 2014. All submitters classified the variant as pathogenic. Based on the evidence outlined above, the variant was classified as pathogenic.

Clinical Genetics Laboratory, Skane University Hospital Lund
Classification: Pathogenic. Last evaluated: 2023-05-30. Review status: criteria provided, single submitter. Criteria: ACMG Guidelines, 2015. Collection method: clinical testing. Allele origin: germline. Affected: yes.

Athena Diagnostics
Classification: Pathogenic. Last evaluated: 2023-01-09. Review status: criteria provided, single submitter. Criteria: Athena Diagnostics Criteria. Collection method: clinical testing. Allele origin: unknown.
Comment: The frequency of this variant in the general population is consistent with pathogenicity. This variant is associated with autosomal dominant myotonia congenita in most families (PMID: 10533075, 8857727, 7981750, 18220014, 10467912, 23516313), however, it has also been associated with autosomal recessive myotonia congenita (PMID: 8857733, 23516313). Assessment of experimental evidence suggests this variant results in abnormal protein function. (PMID: 9122265, 8112288)

Illumina Laboratory Services, Illumina
Classification: Pathogenic for Congenital myotonia, autosomal dominant form. Last evaluated: 2021-05-12. Review status: criteria provided, single submitter. Criteria: ICSLVariantClassificationCriteria RUGD 01 April 2020. Collection method: clinical testing. Allele origin: unknown.
Comment: The CLCN1 c.689G>A (p.Gly230Glu) variant is a missense variant. Across a selection of the available literature, the p.Gly230Glu variant has been identified in a heterozygous state in at least eight probands and 12 affected family members with autosomal dominant myotonia congenita from eight families showing segregation with the disorder (George et al. 1993; Koty et al. 1996; Brugnoni et al. 1999, Chang et al. 2015). The p.Gly230Glu variant was also reported in a compound heterozygous state with a stop gained variant in one individual, in whose family both the mother and sibling were noted to be carriers of the p.Gly230Glu variant and asymptomatic (Zhang et al. 1996). The p.Gly230Glu variant is reported at a frequency of 0.000012 in the total population of the Genome Aggregation Database (version 2.1.1) in a region of good sequence coverage. Heterologous expression of the p.Gly230Glu variant in Xenopus oocytes suggest the variant exerts a dominant negative effect on the channel. Additional work in mammalian cell lines showed that the p.Gly230Glu variant induced changes in ion selectivity relative to the wildtype protein (Steinmeyer et al. 1994; Fahlke et al. 1997). Based on the collective evidence and application of the ACMG criteria, the p.Gly230Glu variant is classified as pathogenic for the autosomal dominant form of myotonia congenita.

OMIM
Classification: Pathogenic for MYOTONIA CONGENITA, AUTOSOMAL DOMINANT. Last evaluated: 1997-03-18. Review status: no assertion criteria provided. Collection method: literature only. Allele origin: germline. Not counted in ClinVar's aggregate classification.

GeneReviews
No classification provided. Condition: Batten-Turner congenital myopathy. Review status: no classification provided. Collection method: literature only. Allele origin: germline. Not counted in ClinVar's aggregate classification.
Comment: Associated with autosomal recessive and autosomal dominant mode of inheritance

Literature cited by the submitters: PubMed 7981750 (cited by 5 submitters); PubMed 18220014 (cited by 5 submitters); PubMed 8112288 (cited by 5 submitters); PubMed 9122265 (cited by 6 submitters); PubMed 10467912 (cited by Mayo Clinic Laboratories, Mayo Clinic and Athena Diagnostics); PubMed 10533075 (cited by 3 submitters); PubMed 31692161 (cited by Mayo Clinic Laboratories, Mayo Clinic and Athena Diagnostics); PubMed 8533761 (cited by Mayo Clinic Laboratories, Mayo Clinic); PubMed 8857727 (cited by 4 submitters); PubMed 8857733 (cited by 5 submitters); PubMed 20301529 (cited by Victorian Clinical Genetics Services, Murdoch Childrens Research Institute); PubMed 32010054 (cited by Victorian Clinical Genetics Services, Murdoch Childrens Research Institute); PubMed 32117024 (cited by Victorian Clinical Genetics Services, Murdoch Childrens Research Institute); PubMed 34529042 (cited by Women's Health and Genetics/Laboratory Corporation of America, LabCorp and Athena Diagnostics); PubMed 23516313 (cited by Women's Health and Genetics/Laboratory Corporation of America, LabCorp and Athena Diagnostics); PubMed 9566422 (cited by Athena Diagnostics and GeneReviews); PubMed 32670189 (cited by Athena Diagnostics); PubMed 32721234 (cited by Athena Diagnostics); PubMed 29606556 (cited by Athena Diagnostics); PubMed 24349310 (cited by Athena Diagnostics); PubMed 22094069 (cited by Athena Diagnostics); George, A. L., Jr. Personal Communication. 1997. Nashville, Tenn. (cited by OMIM); PubMed 8571958 (cited by GeneReviews); PubMed 15162127 (cited by GeneReviews); PubMed 18263754 (cited by GeneReviews); PubMed 23893571 (cited by GeneReviews).